The following is an entry in ClinVar:

NM_194250.2(ZNF804A):c.974G>T (p.Cys325Phe)

Gene: ZNF804A (zinc finger protein 804A; plus strand). Cytogenetic location: 2q32.1.
Variant type: single nucleotide variant.
Coding change: c.974G>T on transcript NM_194250.2 (MANE Select); coding-DNA position 974, G replaced by T.
Protein change: p.Cys325Phe; replaces cysteine 325 with phenylalanine.
Molecular consequence: missense variant.
Genome position (GRCh38, 1-based): chr2:184,936,370, G>T. VCF-style: chr2-184936370-G-T. GRCh37 (hg19) VCF-style: chr2-185801097-G-T.
Other names: short protein forms C325F.
Identifiers: ClinVar variation 3041236 (VCV003041236.2), dbSNP rs139826553, ClinGen allele CA2015874.

ClinVar aggregate classification (germline): Likely benign (0 of 4 stars; one submission).

Conditions:
ZNF804A-related disorder. Also called: ZNF804A-related condition.

Allele frequency attached by ClinVar (database versions not stated): ESP Exome Variant Server 0.00031; gnomAD 0.00033; gnomAD exomes 0.00039; TOPMed 0.00043; 1000 Genomes Project 30x 0.00062; ExAC 0.00070; 1000 Genomes Project 0.00080.
gnomAD v4.1: 645 of 1,613,972 alleles (0.04%); highest among the groups gnomAD compares: East Asian, 0.54%; 5 homozygotes.

Submission:

PreventionGenetics, part of Exact Sciences
Classification: Likely benign for ZNF804A-related condition. Last evaluated: 2019-05-10. Review status: no assertion criteria provided. Collection method: clinical testing. Allele origin: germline.
Comment: This variant is classified as likely benign based on ACMG/AMP sequence variant interpretation guidelines (Richards et al. 2015 PMID: 25741868, with internal and published modifications).